The following is an entry in ClinVar:

ClinVar aggregate classification (germline): Benign. Review status: criteria provided, single submitter (1 of 4 stars). 2 submissions from 2 submitters: Benign (1). 1 of the submissions does not count toward it. Last evaluated 2024-05-02.

Conditions:
MYRF-related disorder. Also called: MYRF-related disorders; MYRF-related condition.

Allele frequency attached by ClinVar (database versions not stated): ExAC 0.00209; gnomAD 0.00411; 1000 Genomes Project 0.00419; ESP Exome Variant Server 0.00430; 1000 Genomes Project 30x 0.00468; TOPMed 0.00473.
gnomAD v4.1: 1,184 of 1,552,562 alleles (0.076%); highest among the groups gnomAD compares: African/African-American, 1.5%; 9 homozygotes.

Submissions (2):

Blueprint Genetics
Classification: Benign. Last evaluated: 2024-05-02. Review status: criteria provided, single submitter. Criteria: ACMG Guidelines, 2015. Collection method: clinical testing. Allele origin: germline.

PreventionGenetics, part of Exact Sciences
Classification: Benign for MYRF-related condition. Last evaluated: 2019-07-12. Review status: no assertion criteria provided. Collection method: clinical testing. Allele origin: germline. Not counted in ClinVar's aggregate classification.
Comment: This variant is classified as benign based on ACMG/AMP sequence variant interpretation guidelines (Richards et al. 2015 PMID: 25741868, with internal and published modifications).

NM_001127392.3(MYRF):c.1846A>C (p.Arg616=)

Gene: MYRF (myelin regulatory factor; plus strand). Cytogenetic location: 11q12.2.
Variant type: single nucleotide variant.
Coding change: c.1846A>C on transcript NM_001127392.3 (MANE Select); coding-DNA position 1846, A replaced by C.
Protein change: p.Arg616=; no amino-acid change (arginine 616 retained).
Molecular consequence: synonymous variant.
Genome position (GRCh38, 1-based): chr11:61,777,788, A>C. VCF-style: chr11-61777788-A-C. GRCh37 (hg19) VCF-style: chr11-61545260-A-C.
Other names: c.1819A>C, p.Arg607= (NM_013279.4).
Identifiers: ClinVar variation 3039587 (VCV003039587.3), dbSNP rs200421234, ClinGen allele CA6037976.